The following is an entry in ClinVar:

ClinVar aggregate classification (germline): Benign. Review status: criteria provided, multiple submitters, no conflicts (2 of 4 stars). 7 submissions from 7 submitters: Benign (6). 1 of the submissions does not count toward it. Last evaluated 2026-02-04.

Conditions:
Parkinsonism-dystonia, infantile. Identifiers: Orphanet 238455, MedGen C2751067, MONDO:0013150.
Classic dopamine transporter deficiency syndrome (PKDYS1). Also called: DOPAMINE TRANSPORTER DEFICIENCY SYNDROME; Parkinsonism-dystonia, infantile, 1. Identifiers: Orphanet 238455, MedGen C5700336, MONDO:0054835, OMIM 613135.

Allele frequency attached by ClinVar (database versions not stated): gnomAD exomes 0.23133; ExAC 0.28284; 1000 Genomes Project 0.29852; 1000 Genomes Project 30x 0.30497; gnomAD 0.31805 and 0.32752; TOPMed 0.32085; ESP Exome Variant Server 0.33339.
gnomAD v4.1: 414,389 of 1,554,866 alleles (27%); highest among the groups gnomAD compares: African/African-American, 51%; 59,254 homozygotes.

Submissions (7):

Labcorp Genetics (formerly Invitae), Labcorp
Classification: Benign for Parkinsonism-dystonia, infantile. Last evaluated: 2026-02-04. Review status: criteria provided, single submitter. Criteria: Invitae Variant Classification Sherloc (09022015). Collection method: clinical testing. Allele origin: germline.

Mayo Clinic Laboratories, Mayo Clinic
Classification: Benign. Last evaluated: 2023-02-10. Review status: criteria provided, single submitter. Criteria: ACMG Guidelines, 2015. Collection method: clinical testing. Allele origin: germline. Observed: 270 variant alleles.
Comment: BA1, BP4, BP7

GeneDx
Classification: Benign. Last evaluated: 2018-08-29. Review status: criteria provided, single submitter. Criteria: GeneDx Variant Classification Process June 2021. Collection method: clinical testing. Allele origin: germline. Affected: yes.
Comment: This variant is associated with the following publications: (PMID: 19183461, 28176268, 11704422, 15380858, 24211691, 10762168)

Clinical Genetics DNA and cytogenetics Diagnostics Lab, Erasmus MC, Erasmus Medical Center
Classification: Benign for Classic dopamine transporter deficiency syndrome. Last evaluated: 2015-09-21. Review status: criteria provided, single submitter. Criteria: ACGS Guidelines, 2013. Collection method: clinical testing. Allele origin: germline. Affected: yes. Study: VKGL Data-share Consensus.

Eurofins Ntd Llc (ga)
Classification: Benign. Last evaluated: 2015-05-21. Review status: criteria provided, single submitter. Criteria: EGL Classification Definitions 2015. Collection method: clinical testing. Allele origin: germline. Observed: 1 variant allele, 1 heterozygote.

Breakthrough Genomics
Classification: Benign. Review status: criteria provided, single submitter. Criteria: ACMG Guidelines, 2015. Collection method: not provided. Allele origin: germline. Inheritance: Autosomal recessive inheritance. Affected: yes.

Genome Diagnostics Laboratory, Amsterdam University Medical Center
Classification: Benign for Classic dopamine transporter deficiency syndrome. Last evaluated: 2016-04-06. Review status: no assertion criteria provided. Criteria: ACGS Guidelines, 2013. Collection method: clinical testing. Allele origin: germline. Affected: yes. Study: VKGL Data-share Consensus. Not counted in ClinVar's aggregate classification.

Literature cited by the submitters: PubMed 10762168 (cited by Mayo Clinic Laboratories, Mayo Clinic).

NM_001044.5(SLC6A3):c.1215A>G (p.Ser405=)

Gene: SLC6A3 (solute carrier family 6 member 3). Cytogenetic location: 5p15.33.
Variant type: single nucleotide variant.
Coding change: c.1215A>G on transcript NM_001044.5 (MANE Select); coding-DNA position 1215, A replaced by G.
Protein change: p.Ser405=; no amino-acid change (serine 405 retained).
Molecular consequence: synonymous variant.
Genome position (GRCh38, 1-based): chr5:1,411,297, T>C on the plus strand (A>G on the coding strand, the complement: SLC6A3 is on the minus strand). VCF-style: chr5-1411297-T-C. GRCh37 (hg19) VCF-style: chr5-1411412-T-C.
Other names: p.Ser405=.
Identifiers: ClinVar variation 199052 (VCV000199052.18), dbSNP rs6347, ClinGen allele CA203729.